The following is an entry in ClinVar:

ClinVar aggregate classification (germline): Conflicting classifications of pathogenicity. Review status: criteria provided, conflicting classifications (1 of 4 stars). 7 submissions from 7 submitters: Uncertain significance (4); Likely benign (3). Last evaluated 2026-01-28.

Conditions:
ATM-related disorder. Also called: ATM-related disorders; ATM-related condition.
Hereditary cancer-predisposing syndrome. Also called: Neoplastic Syndromes, Hereditary; Hereditary Cancer Syndrome; Tumor predisposition; Hereditary neoplastic syndrome. Identifiers: Orphanet 140162, MedGen C0027672, MeSH D009386, MONDO:0015356.
Ataxia-telangiectasia syndrome (AT). Also called: Ataxia-telangiectasia, complementation group D; AT, COMPLEMENTATION GROUP C; Ataxia-telangiectasia; ATAXIA-TELANGIECTASIA, COMPLEMENTATION GROUP A; ATAXIA-TELANGIECTASIA, FRESNO VARIANT; Ataxia-telangiectasia, complementation group E. Identifiers: Orphanet 100, MedGen C0004135, MONDO:0008840, OMIM 208900.

gnomAD v4.1: 9 of 1,613,980 alleles (0.00056%); highest among the groups gnomAD compares: Non-Finnish European, 0.00068%; no homozygotes.

Submissions (7):

PreventionGenetics, part of Exact Sciences
Classification: Uncertain significance for ATM-related condition. Last evaluated: 2026-01-28. Review status: criteria provided, single submitter. Criteria: ACMG Guidelines, 2015. Collection method: clinical testing. Allele origin: germline.
Comment: The ATM c.6179G>A variant is predicted to result in the amino acid substitution p.Arg2060His. This variant has been reported in an individual with breast cancer who also carried a frameshift in ATM and in an individual with prostate cancer (Bernstein et al. 2003. PubMed ID: 12673797; Carneiro et al. 2018. PubMed ID: 29559559). It has not been reported in a large population database (gnomAD), indicating this variant is rare. This variant has conflicting interpretations in ClinVar, ranging from likely benign to uncertain (Variation ID: 135765). At this time, the clinical significance of this variant is uncertain due to the absence of conclusive functional and genetic evidence.

Labcorp Genetics (formerly Invitae), Labcorp
Classification: Likely benign for Ataxia-telangiectasia syndrome. Last evaluated: 2025-10-03. Review status: criteria provided, single submitter. Criteria: Invitae Variant Classification Sherloc (09022015). Collection method: clinical testing. Allele origin: germline.

GeneDx
Classification: Uncertain significance. Last evaluated: 2025-04-28. Review status: criteria provided, single submitter. Criteria: GeneDx Variant Classification Process June 2021. Collection method: clinical testing. Allele origin: germline. Affected: yes.
Comment: Observed in patients with breast or prostate cancer and in unaffected control(s), and co-occurred with a truncating ATM variant in at least one breast cancer patient (PMID: 12673797, 29559559, 33471991, 38136308); In silico analysis indicates that this missense variant does not alter protein structure/function; Not observed at significant frequency in large population cohorts (gnomAD); This variant is associated with the following publications: (PMID: 25320358, 29559559, 12673797, 20305132, 23532176, 38136308, 33471991)

Quest Diagnostics Nichols Institute San Juan Capistrano
Classification: Uncertain significance. Last evaluated: 2025-02-21. Review status: criteria provided, single submitter. Criteria: Quest Diagnostics criteria. Collection method: clinical testing. Allele origin: unknown.

Women's Health and Genetics/Laboratory Corporation of America, LabCorp
Classification: Uncertain significance. Last evaluated: 2023-10-16. Review status: criteria provided, single submitter. Criteria: LabCorp Variant Classification Summary - May 2015. Collection method: clinical testing. Allele origin: germline.
Comment: Variant summary: ATM c.6179G>A (p.Arg2060His) results in a non-conservative amino acid change located in the PIK-related kinase (IPR014009) of the encoded protein sequence. Three of five in-silico tools predict a benign effect of the variant on protein function. The variant was absent in 251258 control chromosomes (gnomAD). The available data on variant occurrences in the general population are insufficient to allow any conclusion about variant significance. c.6179G>A has been reported in the literature in individuals affected with breast- and prostate cancer (Bernstein_2003, Carneiro_2018, Dorling_2021), however it was also found in healthy controls (Dorling_2021). In addition, co-occurrences with other pathogenic variants have been reported (ATM c.6404_6405insTT (p.Arg2136X) in Bernstein_2003 and in two internal LCA samples), providing supporting evidence for a benign role. These reports do not provide unequivocal conclusions about association of the variant with Ataxia-Telangiectasia. To our knowledge, no experimental evidence demonstrating an impact on protein function has been reported. The following publications have been ascertained in the context of this evaluation (PMID: 20305132, 12673797, 29559559, 33471991). Four submitters have cited clinical-significance assessments for this variant to ClinVar after 2014. Multiple submitters reported the variant with conflicting assessments. Based on the evidence outlined above, the variant was classified as uncertain significance.

Color Diagnostics, LLC DBA Color Health
Classification: Likely benign for Hereditary cancer-predisposing syndrome. Last evaluated: 2023-08-07. Review status: criteria provided, single submitter. Criteria: ACMG Guidelines, 2015. Collection method: clinical testing. Allele origin: germline.

Ambry Genetics
Classification: Likely benign for Hereditary cancer-predisposing syndrome. Last evaluated: 2018-02-13. Review status: criteria provided, single submitter. Criteria: Ambry Variant Classification Scheme 2023. Collection method: clinical testing. Allele origin: germline.

Literature cited by the submitters: PubMed 20305132 (cited by Women's Health and Genetics/Laboratory Corporation of America, LabCorp); PubMed 12673797 (cited by Women's Health and Genetics/Laboratory Corporation of America, LabCorp); PubMed 33471991 (cited by Women's Health and Genetics/Laboratory Corporation of America, LabCorp); PubMed 29559559 (cited by Women's Health and Genetics/Laboratory Corporation of America, LabCorp).

NM_000051.4(ATM):c.6179G>A (p.Arg2060His)

Genes: ATM (ATM serine/threonine kinase; plus strand), C11orf65 (chromosome 11 open reading frame 65; minus strand). Cytogenetic location: 11q22.3.
Variant type: single nucleotide variant.
Coding change: c.6179G>A on transcript NM_000051.4 (MANE Select); coding-DNA position 6179, G replaced by A.
Protein change: p.Arg2060His; replaces arginine 2060 with histidine.
Molecular consequence: missense variant. On other transcripts: intron variant (2).
Genome position (GRCh38, 1-based): chr11:108,316,094, G>A. VCF-style: chr11-108316094-G-A. GRCh37 (hg19) VCF-style: chr11-108186821-G-A.
Other names: p.R2060H:CGC>CAC; c.6179G>A, p.Arg2060His (NM_001351834.2); c.641-7023C>T (NM_001330368.2); c.*39-7023C>T (NM_001351110.2); short protein forms R2060H.
Identifiers: ClinVar variation 135765 (VCV000135765.25), dbSNP rs376521407, ClinGen allele CA294446.